The following continues an entry in ClinVar:

NM_000051.4(ATM):c.3161C>G (p.Pro1054Arg)

Gene: ATM. ClinVar aggregate classification (germline): Benign/Likely benign. Benign (15); Likely benign (4).

Submission 23 of 23:

Department of Pathology and Laboratory Medicine, Sinai Health System
Classification: Benign for Carcinoma of colon. Review status: no assertion criteria provided. Collection method: clinical testing. Allele origin: unknown. Affected: yes. Observed: 6 variant alleles. Study: The Canadian Open Genetics Repository (COGR). Not counted in ClinVar's aggregate classification.
Comment: The ATM p.Pro1054Arg variant was identified in both proband chromosomes (frequency not specified) from Swiss, Brazilian and European individuals or families with (early onset or sporadic) breast cancers, and in control chromosomes (frequency not specified) from healthy individuals (Mangone 2015, Milne 2009, Maillet 2002), increasing the likelihood this variant is not associated with breast cancer. Genotyping of 5 polymorphisms (with MAF 0.9-2.6%) including this variant in a large case control study, showed that the 5 missense polymorphisms were associated with a small increased risk of breast cancer (Fletecher 2010). The variant was confirmed to be associated with an increased risk of prostate cancer in a cohort of prostate cancer cases, being identified in 50 of 522 proband chromosomes (frequency 0.096), and 22 of 920 healthy controls were found to be carriers (1 homozygous, frequency: 0.024, Meyer 2007). The variant was identified in dbSNP (ID: rs1800057) as â€šÃ„ÃºWith Benign alleleâ€šÃ„Ã¹, Clinvitae database (classified as benign), ClinVar database (classification benign by Ambry Genetics, Emory Genetics, Color Genomics Inc, Prevention Genetics, Invitae and not classified by ITMI), and in COSMIC (in a squamous cell carcinoma, and lymphoid neoplasm-Burkitt lymphoma). The variant was also identified in LOVD 3.0 (2x) databases, but not in the ATM-LOVD database. The variant was identified in control databases in 4511 of 277018 chromosomes at a frequency of 0.016284 increasing the likelihood this could be a low frequency benign variant (Genome Aggregation Consortium Feb 27, 2017). The variant was identified in the following populations at a frequency greater than 1%: European (Non-Finnish) in 3306 of 126596 chromosomes (freq: 0.026), Ashkenazi Jewish in 224 of 10148 chromosomes (freq: 0.022), Other in 122 of 6458 chromosomes (freq: 0.019), Latino in 390 of 34412 chromosomes (freq: 0.011). The p.Pro1054 residue is conserved across mammals and other organisms, and computational analyses (PolyPhen-2, SIFT, AlignGVGD, BLOSUM, MutationTaster) suggest that the variant may impact the protein; however, this information is not predictive enough to assume pathogenicity. The variant occurs 8 nucleotides from the intron-exon junction and 1 of 5 in silico or computational prediction software programs (SpliceSiteFinder, MaxEntScan, NNSPLICE, GeneSplicer, HumanSpliceFinder) predict a greater than 10% difference in splicing; this is not very predictive of pathogenicity. In summary, based on the above information, this variant meets our laboratory's criteria to be classified as benign.

Literature cited by the submitters: PubMed 12362033 (cited by Athena Diagnostics); PubMed 28598434 (cited by Athena Diagnostics); PubMed 28497333 (cited by Athena Diagnostics); PubMed 28202063 (cited by Athena Diagnostics); PubMed 27664052 (cited by Athena Diagnostics); PubMed 10464642 (cited by Athena Diagnostics); PubMed 19431188 (cited by Athena Diagnostics and Counsyl); PubMed 24728327 (cited by Athena Diagnostics and ITMI); PubMed 23125224 (cited by Athena Diagnostics); PubMed 20826828 (cited by Athena Diagnostics); PubMed 22529920 (cited by Athena Diagnostics); PubMed 15101044 (cited by Athena Diagnostics and Counsyl); PubMed 17502119 (cited by Athena Diagnostics); PubMed 23585524 (cited by Athena Diagnostics and Counsyl); PubMed 11996792 (cited by Athena Diagnostics); PubMed 21833744 (cited by Athena Diagnostics and Counsyl); PubMed 27153395 (cited by Athena Diagnostics); PubMed 15280931 (cited by Athena Diagnostics and Counsyl); PubMed 23272087 (cited by Athena Diagnostics); PubMed 18573109 (cited by Athena Diagnostics); PubMed 16574953 (cited by Athena Diagnostics); PubMed 16167060 (cited by Athena Diagnostics); PubMed 8665503 (cited by Athena Diagnostics); PubMed 8797579 (cited by Athena Diagnostics); PubMed 9043869 (cited by Athena Diagnostics); PubMed 9792409 (cited by Athena Diagnostics and Counsyl); PubMed 9887333 (cited by Athena Diagnostics and Counsyl); PubMed 10023947 (cited by Athena Diagnostics); PubMed 17344846 (cited by Athena Diagnostics); PubMed 17341484 (cited by Athena Diagnostics); PubMed 17000706 (cited by Athena Diagnostics); PubMed 22438227 (cited by Athena Diagnostics); PubMed 18502988 (cited by Athena Diagnostics); PubMed 18701470 (cited by Athena Diagnostics); PubMed 24416720 (cited by Athena Diagnostics); PubMed 19404735 (cited by Athena Diagnostics); PubMed 17393301 (cited by Athena Diagnostics); PubMed 15880721 (cited by Illumina Laboratory Services, Illumina).